The following is an entry in ClinVar:

ClinVar aggregate classification (germline): Uncertain significance (1 of 4 stars; one submission).

Conditions:
Hereditary sensory neuropathy-deafness-dementia syndrome. Also called: NEUROPATHY, HEREDITARY SENSORY, WITH HEARING LOSS AND DEMENTIA; Hereditary sensory neuropathy type IE; HSN IE; Hereditary Sensory and Autonomic Neuropathy Type 1E (HSAN1E). Identifiers: Orphanet 456318, MedGen C3279885, MONDO:0013584, OMIM 614116.

Allele frequency attached by ClinVar (database versions not stated): gnomAD exomes below 0.00001.
gnomAD v4.1: 3 of 1,614,174 alleles (0.00019%); highest among the groups gnomAD compares: Admixed American, 0.0017%; no homozygotes.

Submission:

Labcorp Genetics (formerly Invitae), Labcorp
Classification: Uncertain significance for Hereditary sensory neuropathy-deafness-dementia syndrome. Last evaluated: 2022-07-26. Review status: criteria provided, single submitter. Criteria: Invitae Variant Classification Sherloc (09022015). Collection method: clinical testing. Allele origin: germline.
Comment: This sequence change affects a donor splice site in intron 11 of the DNMT1 gene. It is expected to disrupt RNA splicing. Variants that disrupt the donor or acceptor splice site typically lead to a loss of protein function (PMID: 16199547), however the current clinical and genetic evidence is not sufficient to establish whether loss-of-function variants in DNMT1 cause disease. This variant is present in population databases (no rsID available, gnomAD 0.003%). This variant has not been reported in the literature in individuals affected with DNMT1-related conditions. ClinVar contains an entry for this variant (Variation ID: 860348). Algorithms developed to predict the effect of sequence changes on RNA splicing suggest that this variant may disrupt the consensus splice site. In summary, the available evidence is currently insufficient to determine the role of this variant in disease. Therefore, it has been classified as a Variant of Uncertain Significance.

Literature cited by the submitters: PubMed 16199547.

NM_001130823.3(DNMT1):c.891+1G>A

Gene: DNMT1 (DNA methyltransferase 1; minus strand). Cytogenetic location: 19p13.2.
Variant type: single nucleotide variant.
Coding change: c.891+1G>A on transcript NM_001130823.3 (MANE Select); the canonical splice donor site of the intron after coding-DNA position 891, G replaced by A.
Molecular consequence: splice donor variant.
Genome position (GRCh38, 1-based): chr19:10,166,597, C>T on the plus strand (G>A on the coding strand, the complement: DNMT1 is on the minus strand). VCF-style: chr19-10166597-C-T. GRCh37 (hg19) VCF-style: chr19-10277273-C-T.
Other names: c.528+1G>A (NM_001318731.2); c.843+1G>A (NM_001379.4, NM_001318730.2).
Identifiers: ClinVar variation 860348 (VCV000860348.8), dbSNP rs1354297203, ClinGen allele CA403941887.